The following is an entry in ClinVar:

ClinVar aggregate classification (germline): Uncertain significance (1 of 4 stars; one submission).

gnomAD v4.1: 1 of 1,611,494 alleles (0.000062%); highest among the groups gnomAD compares: Non-Finnish European, 0.000085%; no homozygotes.

Submission:

Labcorp Genetics (formerly Invitae), Labcorp
Classification: Uncertain significance. Last evaluated: 2026-01-18. Review status: criteria provided, single submitter. Criteria: Invitae Variant Classification Sherloc (09022015). Collection method: clinical testing. Allele origin: germline.
Comment: This sequence change replaces glutamic acid, which is acidic and polar, with aspartic acid, which is acidic and polar, at codon 213 of the OPA1 protein (p.Glu213Asp). This variant is not present in population databases (gnomAD no frequency). This variant has not been reported in the literature in individuals affected with OPA1-related conditions. Invitae Evidence Modeling of protein sequence and biophysical properties (such as structural, functional, and spatial information, amino acid conservation, physicochemical variation, residue mobility, and thermodynamic stability) indicates that this missense variant is not expected to disrupt OPA1 protein function with a negative predictive value of 80%. In summary, the available evidence is currently insufficient to determine the role of this variant in disease. Therefore, it has been classified as a Variant of Uncertain Significance.

NM_130837.3(OPA1):c.804G>C (p.Glu268Asp)

Gene: OPA1 (OPA1 mitochondrial dynamin like GTPase; plus strand). Cytogenetic location: 3q29.
Variant type: single nucleotide variant.
Coding change: c.804G>C on transcript NM_130837.3 (MANE Select); coding-DNA position 804, G replaced by C.
Protein change: p.Glu268Asp; replaces glutamic acid 268 with aspartic acid.
Molecular consequence: missense variant.
Genome position (GRCh38, 1-based): chr3:193,631,626, G>C. VCF-style: chr3-193631626-G-C. GRCh37 (hg19) VCF-style: chr3-193349415-G-C.
Other names: c.270G>C, p.Glu90Asp (NM_001354663.2); c.267G>C, p.Glu89Asp (NM_001354664.2); c.639G>C, p.Glu213Asp (NM_015560.3); c.531G>C, p.Glu177Asp (NM_130831.3); c.585G>C, p.Glu195Asp (NM_130832.3); c.642G>C, p.Glu214Asp (NM_130833.3); c.693G>C, p.Glu231Asp (NM_130834.3); c.696G>C, p.Glu232Asp (NM_130835.3); and 1 more; short protein forms E177D, E214D, E232D, E250D, E89D, E90D, E213D, E231D.
Identifiers: ClinVar variation 4764525 (VCV004764525.1).